The following is an entry in ClinVar:

NM_001355436.2(SPTB):c.4747G>A (p.Ala1583Thr)

Gene: SPTB (spectrin beta, erythrocytic; minus strand). Cytogenetic location: 14q23.3.
Variant type: single nucleotide variant.
Coding change: c.4747G>A on transcript NM_001355436.2 (MANE Select); coding-DNA position 4747, G replaced by A.
Protein change: p.Ala1583Thr; replaces alanine 1583 with threonine.
Molecular consequence: missense variant.
Genome position (GRCh38, 1-based): chr14:64,775,220, C>T on the plus strand (G>A on the coding strand, the complement: SPTB is on the minus strand). VCF-style: chr14-64775220-C-T. GRCh37 (hg19) VCF-style: chr14-65241938-C-T.
Other names: c.4747G>A, p.Ala1583Thr (NM_001024858.4, NM_001355437.2); short protein forms A1583T.
Identifiers: ClinVar variation 2889853 (VCV002889853.4), dbSNP rs372204766, ClinGen allele CA7230205.

ClinVar aggregate classification (germline): Uncertain significance. Review status: criteria provided, multiple submitters, no conflicts (2 of 4 stars). 2 submissions from 2 submitters: Uncertain significance (2). Last evaluated 2024-05-29.

Allele frequency attached by ClinVar (database versions not stated): TOPMed 0.00004; gnomAD 0.00006; ESP Exome Variant Server 0.00008.
gnomAD v4.1: 54 of 1,613,704 alleles (0.0033%); highest among the groups gnomAD compares: Non-Finnish European, 0.0042%; no homozygotes.

Submissions (2):

Revvity Omics, Revvity
Classification: Uncertain significance. Last evaluated: 2024-05-29. Review status: criteria provided, single submitter. Criteria: ACMG Guidelines, 2015. Collection method: clinical testing. Allele origin: germline.

Labcorp Genetics (formerly Invitae), Labcorp
Classification: Uncertain significance. Last evaluated: 2023-09-27. Review status: criteria provided, single submitter. Criteria: Invitae Variant Classification Sherloc (09022015). Collection method: clinical testing. Allele origin: germline.
Comment: In summary, the available evidence is currently insufficient to determine the role of this variant in disease. Therefore, it has been classified as a Variant of Uncertain Significance. An algorithm developed to predict the effect of missense changes on protein structure and function (PolyPhen-2) suggests that this variant is likely to be disruptive. This variant has not been reported in the literature in individuals affected with SPTB-related conditions. The frequency data for this variant in the population databases is considered unreliable, as metrics indicate poor data quality at this position in the gnomAD database. This sequence change replaces alanine, which is neutral and non-polar, with threonine, which is neutral and polar, at codon 1583 of the SPTB protein (p.Ala1583Thr).